The following is an entry in ClinVar:

ClinVar aggregate classification (germline): Likely pathogenic (1 of 4 stars; one submission).

Conditions:
Peroxisome biogenesis disorder 7A (Zellweger). Also called: Peroxisome biogenesis disorder 7A. Identifiers: Orphanet 912, MedGen C3888385, MONDO:0013938, OMIM 614872.

Submission:

Neuberg Centre For Genomic Medicine, NCGM
Classification: Likely pathogenic for Peroxisome biogenesis disorder 7A (Zellweger). Review status: criteria provided, single submitter. Criteria: ACMG Guidelines, 2015. Collection method: clinical testing. Allele origin: germline. Affected: yes.
Comment: The missense variant p.P117T in PEX26 (NM_001127649.3) has been reported previously in affected individuals (Tanaka AJ et al). The p.P117T variant is novel (not in any individuals) in gnomAD Exomes and is novel (not in any individuals) in 1000 Genomes. The p.P117T missense variant is predicted to be damaging by both SIFT and PolyPhen2. The proline residue at codon 117 of PEX26 is conserved in all mammalian species. The nucleotide c.349 in PEX26 is predicted conserved by GERP++ and PhyloP across 100 vertebrates. For these reasons, this variant has been classified as Likely Pathogenic.

NM_001127649.3(PEX26):c.349C>A (p.Pro117Thr)

Gene: PEX26 (peroxisomal biogenesis factor 26; plus strand). Cytogenetic location: 22q11.21.
Variant type: single nucleotide variant.
Coding change: c.349C>A on transcript NM_001127649.3 (MANE Select); coding-DNA position 349, C replaced by A.
Protein change: p.Pro117Thr; replaces proline 117 with threonine.
Molecular consequence: missense variant.
Genome position (GRCh38, 1-based): chr22:18,079,992, C>A. VCF-style: chr22-18079992-C-A. GRCh37 (hg19) VCF-style: chr22-18562758-C-A.
Other names: c.349C>A, p.Pro117Thr (NM_001199319.2, NM_017929.6); short protein forms P117T.
Identifiers: ClinVar variation 1339230 (VCV001339230.2), dbSNP rs2123647622, ClinGen allele CA410265906.